The following is an entry in ClinVar:

NM_017654.4(SAMD9):c.3008A>G (p.Asn1003Ser)

Gene: SAMD9 (sterile alpha motif domain containing 9; minus strand). Cytogenetic location: 7q21.2.
Variant type: single nucleotide variant.
Coding change: c.3008A>G on transcript NM_017654.4 (MANE Select); coding-DNA position 3008, A replaced by G.
Protein change: p.Asn1003Ser; replaces asparagine 1003 with serine.
Molecular consequence: missense variant.
Genome position (GRCh38, 1-based): chr7:93,103,090, T>C on the plus strand (A>G on the coding strand, the complement: SAMD9 is on the minus strand). VCF-style: chr7-93103090-T-C. GRCh37 (hg19) VCF-style: chr7-92732403-T-C.
Other names: c.3008A>G, p.Asn1003Ser (NM_001193307.2); short protein forms N1003S.
Identifiers: ClinVar variation 777829 (VCV000777829.46), dbSNP rs146087534, ClinGen allele CA4342763.

ClinVar aggregate classification (germline): Likely benign. Review status: criteria provided, multiple submitters, no conflicts (2 of 4 stars). 10 submissions from 10 submitters: Likely benign (7). 3 of the submissions do not count toward it. Last evaluated 2026-01-19.

Conditions:
Normophosphatemic familial tumoral calcinosis. Also called: CALCINOSIS, TUMORAL, WITH NORMOPHOSPHATEMIA. Identifiers: Orphanet 306658, Orphanet 53715, MedGen C1864861, MONDO:0012502, OMIM 610455.
MIRAGE syndrome. Also called: MYELODYSPLASIA, INFECTION, RESTRICTION OF GROWTH, ADRENAL HYPOPLASIA, GENITAL PHENOTYPES, AND ENTEROPATHY. Identifiers: Orphanet 494433, MedGen C4284088, MONDO:0014888, OMIM 617053.
Monosomy 7 myelodysplasia and leukemia syndrome 2. Identifiers: MedGen C5436668, MONDO:0030801, OMIM 619041.
SAMD9-related disorder. Also called: SAMD9-related condition.

Allele frequency attached by ClinVar (database versions not stated): TOPMed 0.00076; gnomAD 0.00091 and 0.00101; gnomAD exomes 0.00107 and 0.00145; ESP Exome Variant Server 0.00108; 1000 Genomes Project 0.00140; 1000 Genomes Project 30x 0.00141; ExAC 0.00161.
gnomAD v4.1: 1,729 of 1,613,844 alleles (0.11%); highest among the groups gnomAD compares: South Asian, 0.45%; 5 homozygotes.

Submissions (10):

Labcorp Genetics (formerly Invitae), Labcorp
Classification: Likely benign. Last evaluated: 2026-01-19. Review status: criteria provided, single submitter. Criteria: Invitae Variant Classification Sherloc (09022015). Collection method: clinical testing. Allele origin: germline.

CeGaT Center for Human Genetics Tuebingen
Classification: Likely benign. Last evaluated: 2025-03-01. Review status: criteria provided, single submitter. Criteria: CeGaT Center For Human Genetics Tuebingen Variant Classification Criteria Version 2. Collection method: clinical testing. Allele origin: germline. Affected: yes. Observed: 3 variant alleles.
Comment: SAMD9: BP4

Blueprint Genetics
Classification: Likely benign. Last evaluated: 2024-11-08. Review status: criteria provided, single submitter. Criteria: ACMG Guidelines, 2015. Collection method: clinical testing. Allele origin: germline.

ARUP Laboratories, Molecular Genetics and Genomics, ARUP Laboratories
Classification: Likely benign. Last evaluated: 2024-11-01. Review status: criteria provided, single submitter. Criteria: ARUP Molecular Germline Variant Investigation Process 2024. Collection method: clinical testing. Allele origin: germline.

Genetic Services Laboratory, University of Chicago
Classification: Likely benign. Last evaluated: 2021-10-08. Review status: criteria provided, single submitter. Criteria: ACMG Guidelines, 2015. Collection method: clinical testing. Allele origin: germline. Affected: no.

Fulgent Genetics
Classification: Likely benign for Normophosphatemic familial tumoral calcinosis; MIRAGE syndrome; Monosomy 7 myelodysplasia and leukemia syndrome 2. Last evaluated: 2021-08-10. Review status: criteria provided, single submitter. Criteria: ACMG Guidelines, 2015. Collection method: clinical testing. Allele origin: unknown.

GeneDx
Classification: Likely benign. Last evaluated: 2020-11-09. Review status: criteria provided, single submitter. Criteria: GeneDx Variant Classification Process June 2021. Collection method: clinical testing. Allele origin: germline. Affected: yes.
Comment: In silico analysis supports that this missense variant does not alter protein structure/function; Has not been previously published as pathogenic or benign to our knowledge

PreventionGenetics, part of Exact Sciences
Classification: Likely benign for SAMD9-related condition. Last evaluated: 2022-03-25. Review status: no assertion criteria provided. Collection method: clinical testing. Allele origin: germline. Not counted in ClinVar's aggregate classification.
Comment: This variant is classified as likely benign based on ACMG/AMP sequence variant interpretation guidelines (Richards et al. 2015 PMID: 25741868, with internal and published modifications).

Clinical Genetics DNA and cytogenetics Diagnostics Lab, Erasmus MC, Erasmus Medical Center
Classification: Likely benign. Review status: no assertion criteria provided. Collection method: clinical testing. Allele origin: germline. Affected: yes. Study: VKGL Data-share Consensus. Not counted in ClinVar's aggregate classification.

Genome Diagnostics Laboratory, University Medical Center Utrecht
Classification: Likely benign. Review status: no assertion criteria provided. Collection method: clinical testing. Allele origin: germline. Affected: yes. Study: VKGL Data-share Consensus. Not counted in ClinVar's aggregate classification.